The following is an entry in ClinVar:

ClinVar aggregate classification (germline): Likely pathogenic. Review status: criteria provided, single submitter (1 of 4 stars). 2 submissions from 2 submitters: Likely pathogenic (1). 1 of the submissions does not count toward it. Last evaluated 2025-10-03.

Conditions:
Hearing loss, autosomal recessive. Also called: Autosomal recessive nonsyndromic deafness; Nonsyndromic Hearing Loss, Recessive; Deafness, autosomal recessive; Rare autosomal recessive non-syndromic sensorineural deafness type DFNB. Identifiers: Orphanet 90635, Orphanet 90636, MedGen C1846647, MONDO:0019588, OMIM 607197.
Monogenic hearing loss.

Allele frequency attached by ClinVar (database versions not stated): gnomAD exomes below 0.00001 and 0.00001; gnomAD 0.00001.
gnomAD v4.1: 6 of 1,613,934 alleles (0.00037%); highest among the groups gnomAD compares: South Asian, 0.0044%; no homozygotes.

Submissions (2):

Genetics Laboratory, Great Ormond Street Hospital NHS Foundation Trust, North Thames Genomic Laboratory Hub
Classification: Likely pathogenic for Monogenic hearing loss. Last evaluated: 2025-10-03. Review status: criteria provided, single submitter. Criteria: ACGS Best Practice Guidelines for Variant Classification in Rare Disease 2024 v1.2. Collection method: clinical testing. Allele origin: germline. Affected: yes.
Comment: PM2_moderate, PS3_supporting, PP1_moderate, PM3_supporting

University of Washington Center for Mendelian Genomics, University of Washington
Classification: Likely pathogenic for non-syndromic autosomal recessive hearing loss. Review status: no assertion criteria provided. Collection method: research. Allele origin: inherited. Affected: yes. Not counted in ClinVar's aggregate classification.

Literature cited by the submitters: PubMed 30303587 (cited by University of Washington Center for Mendelian Genomics, University of Washington).

NM_001256317.3(TMPRSS3):c.581G>T (p.Cys194Phe)

Gene: TMPRSS3 (transmembrane serine protease 3; minus strand). Cytogenetic location: 21q22.3.
Variant type: single nucleotide variant.
Coding change: c.581G>T on transcript NM_001256317.3 (MANE Select); coding-DNA position 581, G replaced by T.
Protein change: p.Cys194Phe; replaces cysteine 194 with phenylalanine.
Molecular consequence: missense variant.
Genome position (GRCh38, 1-based): chr21:42,384,005, C>A on the plus strand (G>T on the coding strand, the complement: TMPRSS3 is on the minus strand). VCF-style: chr21-42384005-C-A. GRCh37 (hg19) VCF-style: chr21-43804114-C-A.
Other names: c.581G>T, p.Cys194Phe (NM_024022.4, NM_032405.2); c.200G>T, p.Cys67Phe (NM_032404.3); short protein forms C194F, C67F.
Identifiers: ClinVar variation 996722 (VCV000996722.2), dbSNP rs1333651774, ClinGen allele CA410374168.